The following is an entry in ClinVar:

NM_001034853.2(RPGR):c.2993_2997del (p.Glu998fs)

Gene: RPGR (retinitis pigmentosa GTPase regulator; minus strand). Cytogenetic location: Xp11.4.
Variant type: Deletion.
Coding change: c.2993_2997del on transcript NM_001034853.2 (MANE Select); coding-DNA positions 2993 to 2997, 5 bases deleted (AAGGG; older notation c.2993_2997delAAGGG).
Protein change: p.Glu998fs; shifts the reading frame from glutamic acid 998.
Molecular consequence: frameshift variant. On other transcripts: intron variant (8).
Genome position (GRCh38, 1-based): chrX:38,286,002-38,286,006, CCCTT deleted on the plus strand (AAGGG on the coding strand, the reverse complement: RPGR is on the minus strand); deleting any 5 consecutive bases within chrX:38,286,002-38,286,007 gives the same sequence; the c. name uses the placement nearest the transcript's 3' end. VCF-style (leftmost placement, unchanged base first): chrX-38286001-CCCCTT-C. GRCh37 (hg19) VCF-style: chrX-38145254-CCCCTT-C.
Other names: c.1569+4953_1569+4957del (NM_001367249.1, NM_001367250.1); c.1902+1088_1902+1092del (NM_001367245.1); c.1386+4953_1386+4957del (NM_001367251.1); c.1719+1088_1719+1092del (NM_001367246.1); c.1572+4953_1572+4957del (NM_001367247.1); c.1905+1088_1905+1092del (NM_000328.3); c.1602+4953_1602+4957del (NM_001367248.1); short protein forms E998fs.
Identifiers: ClinVar variation 2138531 (VCV002138531.7), dbSNP rs2519783609, ClinGen allele CA2580100821.
Genomic context (GRCh38, chrX:38,286,001, plus strand): 5'-CCCCTTCCTCTTCTTCCTCCCCTTCTCCCTCCCCTTCTTCCTCTCCCTCTCCTTCTTCCT[CCCCTT>C]CTTCTTCCCCTTCCTCCTCTTCCCCCTCCCCTTCTCCTTCCTCCTCTTCCCCCTCCCCTT-3'

ClinVar aggregate classification (germline): Pathogenic/Likely pathogenic. Review status: criteria provided, multiple submitters, no conflicts (2 of 4 stars). 4 submissions from 4 submitters: Pathogenic (3); Likely pathogenic (1). Last evaluated 2024-09-28.

Conditions:
RPGR-related disorder. Also called: RPGR-related condition.
Retinal dystrophy. Also called: Inherited retinal dystrophy. Identifiers: Orphanet 71862, MedGen C0854723, MeSH D058499, MONDO:0019118, HP:0000556.
Retinitis pigmentosa 3. Also called: CHOROIDORETINAL DEGENERATION WITH RETINAL REFLEX IN HETEROZYGOUS WOMEN. Identifiers: Orphanet 791, MedGen C1845667, MONDO:0010227, OMIM 300029.
Primary ciliary dyskinesia. Also called: Ciliary dyskinesia. Identifiers: Orphanet 244, MedGen C0008780, MONDO:0016575, HP:0012265.

Submissions (4):

3billion
Classification: Likely pathogenic for Retinitis pigmentosa 3. Last evaluated: 2024-09-28. Review status: criteria provided, single submitter. Criteria: ACMG Guidelines, 2015. Collection method: clinical testing. Allele origin: germline. Affected: yes.
Comment: The variant is observed at an extremely low frequency in the gnomAD v4.1.0 dataset (total allele frequency: <0.001%). Predicted Consequence/Location: Frameshift: predicted to result in a loss or disruption of normal protein function through protein truncation. Multiple pathogenic variants are reported in the predicted truncated region. The variant has been reported to be associated with RPGR-related disorder (ClinVar ID: VCV002138531). Therefore, this variant is classified as Likely pathogenic according to the recommendation of ACMG/AMP guideline.

Labcorp Genetics (formerly Invitae), Labcorp
Classification: Pathogenic for Primary ciliary dyskinesia. Last evaluated: 2023-10-31. Review status: criteria provided, single submitter. Criteria: Invitae Variant Classification Sherloc (09022015). Collection method: clinical testing. Allele origin: germline.
Comment: This sequence change creates a premature translational stop signal (p.Glu998Glyfs*79) in the RPGR (ORF15) gene. While this is not anticipated to result in nonsense mediated decay, it is expected to disrupt the last 155 amino acid(s) of the RPGR (ORF15) protein. This variant is not present in population databases (gnomAD no frequency). This premature translational stop signal has been observed in individual(s) with retinitis pigmentosa (PMID: 10932196, 32788070). This variant is also known as ORF15+1239_1243del5. ClinVar contains an entry for this variant (Variation ID: 2138531). This variant disrupts a region of the RPGR (ORF15) protein in which other variant(s) (p.Leu1130Lysfs*13) have been determined to be pathogenic (PMID: 22264887; Invitae). This suggests that this is a clinically significant region of the protein, and that variants that disrupt it are likely to be disease-causing. For these reasons, this variant has been classified as Pathogenic.

Blueprint Genetics
Classification: Pathogenic for RPGR-related disorders. Last evaluated: 2022-02-09. Review status: criteria provided, single submitter. Criteria: ACMG Guidelines, 2015. Collection method: clinical testing. Allele origin: germline. Affected: yes. Observed: 5 variant alleles.

Institute of Human Genetics, Univ. Regensburg, Univ. Regensburg
Classification: Pathogenic for Retinal dystrophy. Last evaluated: 2018-01-01. Review status: criteria provided, single submitter. Criteria: ACMG Guidelines, 2015. Collection method: clinical testing. Allele origin: germline. Affected: yes.

Literature cited by the submitters: PubMed 10932196 (cited by Labcorp Genetics (formerly Invitae), Labcorp and Institute of Human Genetics, Univ. Regensburg, Univ. Regensburg); PubMed 32788070 (cited by Labcorp Genetics (formerly Invitae), Labcorp and Institute of Human Genetics, Univ. Regensburg, Univ. Regensburg); PubMed 22264887 (cited by Labcorp Genetics (formerly Invitae), Labcorp); PubMed 36460718 (cited by Institute of Human Genetics, Univ. Regensburg, Univ. Regensburg).